The following is an entry in ClinVar:

NM_001282531.3(ADNP):c.845del (p.Gly282fs)

Gene: ADNP (activity dependent neuroprotector homeobox; minus strand). Cytogenetic location: 20q13.13.
Variant type: Deletion.
Coding change: c.845del on transcript NM_001282531.3 (MANE Select); coding-DNA position 845, one base deleted (G; older notation c.845delG).
Protein change: p.Gly282fs; shifts the reading frame from glycine 282.
Molecular consequence: frameshift variant.
Genome position (GRCh38, 1-based): chr20:50,893,869, C deleted on the plus strand (G on the coding strand, the reverse complement: ADNP is on the minus strand); the first of 3 consecutive C bases (chr20:50,893,869-50,893,871); deleting any one gives the same sequence. VCF-style (leftmost placement, unchanged base first): chr20-50893868-TC-T. GRCh37 (hg19) VCF-style: chr20-49510405-TC-T.
Other names: c.845del, p.Gly282fs (NM_001282532.2, NM_001347511.2, NM_015339.5 and 1 more transcripts); short protein forms G282fs.
Identifiers: ClinVar variation 423279 (VCV000423279.2), dbSNP rs1064796339, ClinGen allele CA16620936.
Genomic context (GRCh38, chr20:50,893,868, plus strand): 5'-CTGCTGTGATGGTAAAGACCGGACATTTCCAGAAGCAAGGGAACCGATCCTTGGTGGGAG[TC>T]CCATGCTCTTCTTGTCTTGAGGTTTGGGAGCAATTAGCATCAAGGGTTTGGATCGGGGAA-3'

ClinVar aggregate classification (germline): Pathogenic (1 of 4 stars; one submission).

Submission:

GeneDx
Classification: Pathogenic. Last evaluated: 2017-02-03. Review status: criteria provided, single submitter. Criteria: GeneDx Variant Classification (06012015). Collection method: clinical testing. Allele origin: germline. Affected: yes.
Comment: The c.845delG variant in the ADNP gene has not been reported previously as a pathogenic variant nor as a benign variant, to our knowledge. The c.845delG variant causes a frameshift starting with codon Glycine 282, changes this amino acid to a Aspartic acid residue, and creates a premature Stop codon at position 23 of the new reading frame, denoted p.Gly282AspfsX23. This variant is predicted to cause loss of normal protein function through protein truncation. The c.845delG variant is not observed in large population cohorts (Lek et al., 2016; 1000 Genomes Consortium et al., 2015; Exome Variant Server). We interpret c.845delG as a pathogenic variant.